The following is an entry in ClinVar:

ClinVar aggregate classification (germline): not provided (0 of 4 stars; one submission).

Submission:

ITMI
No classification provided. Condition: AllHighlyPenetrant. Last evaluated: 2013-09-19. Review status: no classification provided. Collection method: reference population. Allele origin: germline.
Comment: Please see associated publication for description of ethnicities

Literature cited by the submitters: PubMed 24728327.

NM_001123385.2(BCOR):c.3440C>T (p.Thr1147Ile)

Gene: BCOR (BCL6 corepressor; minus strand). Cytogenetic location: Xp11.4.
Variant type: single nucleotide variant.
Coding change: c.3440C>T on transcript NM_001123385.2 (MANE Select); coding-DNA position 3440, C replaced by T.
Protein change: p.Thr1147Ile; replaces threonine 1147 with isoleucine.
Molecular consequence: missense variant.
Genome position (GRCh38, 1-based): chrX:40,064,398, G>A on the plus strand (C>T on the coding strand, the complement: BCOR is on the minus strand). VCF-style: chrX-40064398-G-A. GRCh37 (hg19) VCF-style: chrX-39923651-G-A.
Other names: c.3440C>T, p.Thr1147Ile (NM_001123383.2, NM_017745.6); c.3386C>T, p.Thr1129Ile (NM_001123384.2); short protein forms T1147I, T1129I.
Identifiers: ClinVar variation 133692 (VCV000133692.1), dbSNP rs587778101, ClinGen allele CA157358.